The following is an entry in ClinVar:

NM_000059.4(BRCA2):c.805del (p.Thr269fs)

Gene: BRCA2 (BRCA2 DNA repair associated; plus strand). Cytogenetic location: 13q13.1.
Variant type: Deletion.
Coding change: c.805del on transcript NM_000059.4 (MANE Select); coding-DNA position 805, one base deleted (A; older notation c.805delA).
Protein change: p.Thr269fs; shifts the reading frame from threonine 269.
Molecular consequence: frameshift variant. On other transcripts: non-coding transcript variant (1), intron variant (1).
Genome position (GRCh38, 1-based): chr13:32,332,283, A deleted; the last of 5 consecutive A bases (chr13:32,332,279-32,332,283); deleting any one gives the same sequence. VCF-style (leftmost placement, unchanged base first): chr13-32332278-GA-G. GRCh37 (hg19) VCF-style: chr13-32906415-GA-G.
Other names: c.805del, p.Thr269fs (NM_001406719.1, NM_001406720.1, NM_001406721.1 and 1 more transcripts); c.424+1253del (NM_001406722.1); short protein forms T269fs.
Identifiers: ClinVar variation 3482097 (VCV003482097.1).

ClinVar aggregate classification (germline): Pathogenic (1 of 4 stars; one submission).

Conditions:
Hereditary cancer-predisposing syndrome. Also called: Tumor predisposition; Neoplastic Syndromes, Hereditary; Hereditary Cancer Syndrome; Hereditary neoplastic syndrome. Identifiers: Orphanet 140162, MedGen C0027672, MeSH D009386, MONDO:0015356.

Submission:

Ambry Genetics
Classification: Pathogenic for Hereditary cancer-predisposing syndrome. Last evaluated: 2024-09-23. Review status: criteria provided, single submitter. Criteria: Ambry Variant Classification Scheme 2023. Collection method: clinical testing. Allele origin: germline.
Comment: The c.805delA pathogenic mutation, located in coding exon 9 of the BRCA2 gene, results from a deletion of one nucleotide at nucleotide position 805, causing a translational frameshift with a predicted alternate stop codon (p.T269Hfs*8). This variant is considered to be rare based on population cohorts in the Genome Aggregation Database (gnomAD). This alteration is expected to result in loss of function by premature protein truncation or nonsense-mediated mRNA decay. As such, this alteration is interpreted as a disease-causing mutation.